The following is an entry in ClinVar:

ClinVar aggregate classification (germline): Uncertain significance (1 of 4 stars; one submission).

Conditions:
Familial hypobetalipoproteinemia 1. Also called: APOB-Related Familial Hypobetalipoproteinemia; Hypobetalipoproteinemia, normotriglyceridemic; Acanthocytosis with hypobetalipoproteinemia. Identifiers: MedGen C4551990, MONDO:0014252, OMIM 615558.
Hypercholesterolemia, autosomal dominant, type B (FHCL2). Also called: APOLIPOPROTEIN B-100, FAMILIAL DEFECTIVE; APOLIPOPROTEIN B-100, FAMILIAL LIGAND-DEFECTIVE; HYPERCHOLESTEROLEMIA, FAMILIAL, DUE TO LIGAND-DEFECTIVE APOLIPOPROTEIN B; Familial Hypercholesterolemia Type B; APOB-Related Familial Hypercholesterolemia, Autosomal Dominant; Hyperlipoproteinemia Type IIb. Identifiers: MedGen C1704417, MONDO:0007751, OMIM 144010.

Submission:

Labcorp Genetics (formerly Invitae), Labcorp
Classification: Uncertain significance for Familial hypobetalipoproteinemia 1; Hypercholesterolemia, autosomal dominant, type B. Last evaluated: 2024-06-24. Review status: criteria provided, single submitter. Criteria: Invitae Variant Classification Sherloc (09022015). Collection method: clinical testing. Allele origin: germline.
Comment: This sequence change replaces aspartic acid, which is acidic and polar, with glycine, which is neutral and non-polar, at codon 3612 of the APOB protein (p.Asp3612Gly). This variant is not present in population databases (gnomAD no frequency). This missense change has been observed in individual(s) with clinical features of APOB-related conditions (PMID: 30526649). ClinVar contains an entry for this variant (Variation ID: 2428142). Advanced modeling of protein sequence and biophysical properties (such as structural, functional, and spatial information, amino acid conservation, physicochemical variation, residue mobility, and thermodynamic stability) performed at Invitae indicates that this missense variant is not expected to disrupt APOB protein function with a negative predictive value of 95%. In summary, the available evidence is currently insufficient to determine the role of this variant in disease. Therefore, it has been classified as a Variant of Uncertain Significance.

Literature cited by the submitters: PubMed 30526649.

NM_000384.3(APOB):c.10835A>G (p.Asp3612Gly)

Gene: APOB (apolipoprotein B; minus strand). Cytogenetic location: 2p24.1.
Variant type: single nucleotide variant.
Coding change: c.10835A>G on transcript NM_000384.3 (MANE Select); coding-DNA position 10835, A replaced by G.
Protein change: p.Asp3612Gly; replaces aspartic acid 3612 with glycine.
Molecular consequence: missense variant.
Genome position (GRCh38, 1-based): chr2:21,006,033, T>C on the plus strand (A>G on the coding strand, the complement: APOB is on the minus strand). VCF-style: chr2-21006033-T-C. GRCh37 (hg19) VCF-style: chr2-21228905-T-C.
Other names: short protein forms D3612G.
Identifiers: ClinVar variation 2428142 (VCV002428142.7), dbSNP rs1306018500, ClinGen allele CA345984877.